The following is an entry in ClinVar:

NM_002693.3(POLG):c.2923C>T (p.Gln975Ter)

Gene: POLG (DNA polymerase gamma, catalytic subunit; minus strand). Cytogenetic location: 15q26.1.
Variant type: single nucleotide variant.
Coding change: c.2923C>T on transcript NM_002693.3 (MANE Select); coding-DNA position 2923, C replaced by T.
Protein change: p.Gln975Ter; replaces glutamine 975 with a stop codon.
Molecular consequence: nonsense.
Genome position (GRCh38, 1-based): chr15:89,320,824, G>A on the plus strand (C>T on the coding strand, the complement: POLG is on the minus strand). VCF-style: chr15-89320824-G-A. GRCh37 (hg19) VCF-style: chr15-89864055-G-A.
Other names: c.2923C>T, p.Gln975Ter (NM_001126131.2); short protein forms Q975*.
Identifiers: ClinVar variation 5013265 (VCV005013265.1).

ClinVar aggregate classification (germline): Pathogenic (1 of 4 stars; one submission).

Conditions:
POLG-related disorder. Also called: POLG-Related Spectrum Disorders; POLG-related condition; POLG-Related Disorders. Identifiers: MedGen C4763519.

Submission:

Myriad Genetics, Inc.
Classification: Pathogenic for POLG-related disorder. Last evaluated: 2024-07-01. Review status: criteria provided, single submitter. Criteria: Myriad Autosomal Dominant, Autosomal Recessive and X-Linked Classification Criteria (2023). Collection method: clinical testing. Allele origin: unknown.
Comment: NM_002693.2(POLG):c.2923C>T(Q975*) is expected to be pathogenic in the context of POLG-related disorders. This variant is predicted to lead to an abnormal or absent protein product due to the creation of a premature termination codon in POLG, a gene where loss-of-function variants are known to be pathogenic. Please note: this variant was assessed in the context of healthy population screening.